The following is an entry in ClinVar:

ClinVar aggregate classification (germline): Uncertain significance (1 of 4 stars; one submission).

Submission:

Labcorp Genetics (formerly Invitae), Labcorp
Classification: Uncertain significance. Last evaluated: 2024-07-08. Review status: criteria provided, single submitter. Criteria: Invitae Variant Classification Sherloc (09022015). Collection method: clinical testing. Allele origin: germline.
Comment: This sequence change replaces glutamic acid, which is acidic and polar, with alanine, which is neutral and non-polar, at codon 26 of the ARIH1 protein (p.Glu26Ala). This variant is not present in population databases (gnomAD no frequency). This variant has not been reported in the literature in individuals affected with ARIH1-related conditions. Experimental studies and prediction algorithms are not available or were not evaluated, and the functional significance of this variant is currently unknown. In summary, the available evidence is currently insufficient to determine the role of this variant in disease. Therefore, it has been classified as a Variant of Uncertain Significance.

NM_005744.5(ARIH1):c.77A>C (p.Glu26Ala)

Gene: ARIH1 (ariadne RBR E3 ubiquitin protein ligase 1; plus strand). Cytogenetic location: 15q24.1.
Variant type: single nucleotide variant.
Coding change: c.77A>C on transcript NM_005744.5 (MANE Select); coding-DNA position 77, A replaced by C.
Protein change: p.Glu26Ala; replaces glutamic acid 26 with alanine.
Molecular consequence: missense variant.
Genome position (GRCh38, 1-based): chr15:72,474,716, A>C. VCF-style: chr15-72474716-A-C. GRCh37 (hg19) VCF-style: chr15-72767057-A-C.
Other names: short protein forms E26A.
Identifiers: ClinVar variation 2991304 (VCV002991304.3), dbSNP rs2140386460, ClinGen allele CA393236390.
Genomic context (GRCh38, chr15:72,474,716, plus strand): 5'-GCTACAACTACGAGTTCGACGAGGACGAGGAGTGCAGTGAGGAGGACAGCGGCGCCGAGG[A>C]GGAGGAGGACGAAGACGACGACGAGCCGGACGATGATACCCTGGATCTGGGCGAGGTGGA-3'
Protein context (NP_005735.2, residues 16-36): ECSEEDSGAE[Glu26Ala]EEDEDDDEPD